The following is an entry in ClinVar:

ClinVar aggregate classification (germline): Uncertain significance (1 of 4 stars; one submission).

Conditions:
DYRK1A-related intellectual disability syndrome (MRD7). Also called: Intellectual developmental disorder, autosomal dominant 7; DYRK1A Syndrome. Identifiers: Orphanet 464306, MedGen C5568143, MONDO:0013578, OMIM 614104.

Allele frequency attached by ClinVar (database versions not stated): gnomAD exomes below 0.00001.
gnomAD v4.1: 2 of 1,614,206 alleles (0.00012%); highest among the groups gnomAD compares: Non-Finnish European, 0.00017%; no homozygotes.

Submission:

Labcorp Genetics (formerly Invitae), Labcorp
Classification: Uncertain significance for DYRK1A-related intellectual disability syndrome. Last evaluated: 2025-01-06. Review status: criteria provided, single submitter. Criteria: Invitae Variant Classification Sherloc (09022015). Collection method: clinical testing. Allele origin: germline.
Comment: This sequence change replaces asparagine, which is neutral and polar, with aspartic acid, which is acidic and polar, at codon 688 of the DYRK1A protein (p.Asn688Asp). This variant is present in population databases (no rsID available, gnomAD 0.0009%). This variant has not been reported in the literature in individuals affected with DYRK1A-related conditions. ClinVar contains an entry for this variant (Variation ID: 1389642). Invitae Evidence Modeling of protein sequence and biophysical properties (such as structural, functional, and spatial information, amino acid conservation, physicochemical variation, residue mobility, and thermodynamic stability) indicates that this missense variant is not expected to disrupt DYRK1A protein function with a negative predictive value of 95%. In summary, the available evidence is currently insufficient to determine the role of this variant in disease. Therefore, it has been classified as a Variant of Uncertain Significance.

NM_001347721.2(DYRK1A):c.2035A>G (p.Asn679Asp)

Gene: DYRK1A (dual specificity tyrosine phosphorylation regulated kinase 1A; plus strand). Cytogenetic location: 21q22.13.
Variant type: single nucleotide variant.
Coding change: c.2035A>G on transcript NM_001347721.2 (MANE Select); coding-DNA position 2035, A replaced by G.
Protein change: p.Asn679Asp; replaces asparagine 679 with aspartic acid.
Molecular consequence: missense variant. On other transcripts: 3 prime UTR variant (2).
Genome position (GRCh38, 1-based): chr21:37,512,301, A>G. VCF-style: chr21-37512301-A-G. GRCh37 (hg19) VCF-style: chr21-38884604-A-G.
Other names: c.2035A>G, p.Asn679Asp (NM_001347722.2, NM_130436.2); c.1948A>G, p.Asn650Asp (NM_001347723.2); c.2062A>G, p.Asn688Asp (NM_001396.5); c.*438A>G (NM_101395.2); c.*347A>G (NM_130438.2); short protein forms N650D, N688D, N679D.
Identifiers: ClinVar variation 1389642 (VCV001389642.8), dbSNP rs1196786126, ClinGen allele CA409940355.